The following is an entry in ClinVar:

ClinVar aggregate classification (germline): Benign/Likely benign. Review status: criteria provided, multiple submitters, no conflicts (2 of 4 stars). 5 submissions from 5 submitters: Benign (1); Likely benign (3). 1 of the submissions does not count toward it. Last evaluated 2025-11-24.

Conditions:
Birt-Hogg-Dube syndrome 1 (BHD1). Also called: FIBROFOLLICULOMAS WITH TRICHODISCOMAS AND ACROCHORDONS. Identifiers: Orphanet 122, MedGen CN375946, MONDO:0800445, OMIM 135150.
FLCN-related disorder. Also called: FLCN-related condition.
Hereditary cancer-predisposing syndrome. Also called: Hereditary neoplastic syndrome; Neoplastic Syndromes, Hereditary; Hereditary Cancer Syndrome; Tumor predisposition. Identifiers: Orphanet 140162, MedGen C0027672, MeSH D009386, MONDO:0015356.
Birt-Hogg-Dube syndrome. Also called: Birt Hogg Dubé syndrome. Identifiers: Orphanet 122, MedGen C0346010, MONDO:0800444.

Allele frequency attached by ClinVar (database versions not stated): TOPMed 0.00003; gnomAD 0.00006.
gnomAD v4.1: 29 of 1,611,852 alleles (0.0018%); highest among the groups gnomAD compares: East Asian, 0.018%; no homozygotes.

Submissions (5):

Labcorp Genetics (formerly Invitae), Labcorp
Classification: Likely benign for Birt-Hogg-Dube syndrome. Last evaluated: 2025-11-24. Review status: criteria provided, single submitter. Criteria: Invitae Variant Classification Sherloc (09022015). Collection method: clinical testing. Allele origin: germline.

CeGaT Center for Human Genetics Tuebingen
Classification: Likely benign. Last evaluated: 2025-10-01. Review status: criteria provided, single submitter. Criteria: CeGaT Center For Human Genetics Tuebingen Variant Classification Criteria Version 2. Collection method: clinical testing. Allele origin: germline. Affected: yes. Observed: 1 variant allele.
Comment: FLCN: BP4, BP7

Myriad Genetics, Inc.
Classification: Benign for Birt-Hogg-Dube syndrome 1. Last evaluated: 2024-10-23. Review status: criteria provided, single submitter. Criteria: Myriad Autosomal Dominant, Autosomal Recessive and X-Linked Classification Criteria (2023). Collection method: clinical testing. Allele origin: unknown.
Comment: This variant is considered benign. This variant is a silent/synonymous amino acid change and it is not expected to impact splicing.

Ambry Genetics
Classification: Likely benign for Hereditary cancer-predisposing syndrome. Last evaluated: 2017-03-31. Review status: criteria provided, single submitter. Criteria: Ambry Variant Classification Scheme 2023. Collection method: clinical testing. Allele origin: germline.

PreventionGenetics, part of Exact Sciences
Classification: Likely benign for FLCN-related condition. Last evaluated: 2024-08-09. Review status: no assertion criteria provided. Collection method: clinical testing. Allele origin: germline. Not counted in ClinVar's aggregate classification.
Comment: This variant is classified as likely benign based on ACMG/AMP sequence variant interpretation guidelines (Richards et al. 2015 PMID: 25741868, with internal and published modifications).

NM_144997.7(FLCN):c.834G>A (p.Pro278=)

Gene: FLCN (folliculin; minus strand). Cytogenetic location: 17p11.2.
Variant type: single nucleotide variant.
Coding change: c.834G>A on transcript NM_144997.7 (MANE Select); coding-DNA position 834, G replaced by A.
Protein change: p.Pro278=; no amino-acid change (proline 278 retained).
Molecular consequence: synonymous variant.
Genome position (GRCh38, 1-based): chr17:17,221,574, C>T on the plus strand (G>A on the coding strand, the complement: FLCN is on the minus strand). VCF-style: chr17-17221574-C-T. GRCh37 (hg19) VCF-style: chr17-17124888-C-T.
Other names: c.888G>A, p.Pro296= (NM_001353229.2); c.834G>A, p.Pro278= (NM_001353230.2, NM_001353231.2, NM_144606.7); c.834G>A (LRG_325t1).
Identifiers: ClinVar variation 460635 (VCV000460635.23), dbSNP rs146801028, ClinGen allele CA8416279.